The following is an entry in ClinVar:

ClinVar aggregate classification (germline): Pathogenic (1 of 4 stars; one submission).

Conditions:
Multiple congenital anomalies-hypotonia-seizures syndrome 3 (MCAHS3). Also called: GLYCOSYLPHOSPHATIDYLINOSITOL BIOSYNTHESIS DEFECT 7. Identifiers: Orphanet 369837, MedGen C3809356, MONDO:0014165, OMIM 615398.

Submission:

Labcorp Genetics (formerly Invitae), Labcorp
Classification: Pathogenic for Multiple congenital anomalies-hypotonia-seizures syndrome 3. Last evaluated: 2024-10-15. Review status: criteria provided, single submitter. Criteria: Invitae Variant Classification Sherloc (09022015). Collection method: clinical testing. Allele origin: germline.
Comment: This sequence change creates a premature translational stop signal (p.Gln91*) in the PIGT gene. It is expected to result in an absent or disrupted protein product. Loss-of-function variants in PIGT are known to be pathogenic (PMID: 24906948, 25943031). This variant is not present in population databases (gnomAD no frequency). This variant has not been reported in the literature in individuals affected with PIGT-related conditions. ClinVar contains an entry for this variant (Variation ID: 1418074). Algorithms developed to predict the effect of sequence changes on RNA splicing suggest that this variant may disrupt the consensus splice site. For these reasons, this variant has been classified as Pathogenic.

Literature cited by the submitters: PubMed 24906948; PubMed 25943031.

NM_015937.6(PIGT):c.271C>T (p.Gln91Ter)

Gene: PIGT (phosphatidylinositol glycan anchor biosynthesis class T; plus strand). Cytogenetic location: 20q13.12.
Variant type: single nucleotide variant.
Coding change: c.271C>T on transcript NM_015937.6 (MANE Select); coding-DNA position 271, C replaced by T.
Protein change: p.Gln91Ter; replaces glutamine 91 with a stop codon.
Molecular consequence: nonsense. On other transcripts: non-coding transcript variant (3), intron variant (1).
Genome position (GRCh38, 1-based): chr20:45,416,600, C>T. VCF-style: chr20-45416600-C-T. GRCh37 (hg19) VCF-style: chr20-44045240-C-T.
Other names: c.271C>T, p.Gln91Ter (NM_001184728.3, NM_001184729.3); c.187+257C>T (NM_001184730.3); short protein forms Q91*.
Identifiers: ClinVar variation 1418074 (VCV001418074.6), dbSNP rs1334035467, ClinGen allele CA409166184.